The following is an entry in ClinVar:

NM_004320.6(ATP2A1):c.1953C>T (p.Arg651=)

Gene: ATP2A1 (ATPase sarcoplasmic/endoplasmic reticulum Ca2+ transporting 1; plus strand). Cytogenetic location: 16p11.2.
Variant type: single nucleotide variant.
Coding change: c.1953C>T on transcript NM_004320.6 (MANE Select); coding-DNA position 1953, C replaced by T.
Protein change: p.Arg651=; no amino-acid change (arginine 651 retained).
Molecular consequence: synonymous variant.
Genome position (GRCh38, 1-based): chr16:28,900,769, C>T. VCF-style: chr16-28900769-C-T. GRCh37 (hg19) VCF-style: chr16-28912090-C-T.
Other names: c.1578C>T, p.Arg526= (NM_001286075.2); c.1953C>T, p.Arg651= (NM_173201.5).
Identifiers: ClinVar variation 704804 (VCV000704804.13), dbSNP rs200969176, ClinGen allele CA7987126.

ClinVar aggregate classification (germline): Likely benign. Review status: criteria provided, multiple submitters, no conflicts (2 of 4 stars). 3 submissions from 3 submitters: Likely benign (3). Last evaluated 2026-01-21.

Conditions:
Brody myopathy. Also called: BRODY DISEASE. Identifiers: Orphanet 53347, MedGen C1832918, MONDO:0010977, OMIM 601003.
ATP2A1-related disorder. Also called: ATP2A1-related condition.

Allele frequency attached by ClinVar (database versions not stated): gnomAD 0.00002 and 0.00003; TOPMed 0.00002; ExAC 0.00003; gnomAD exomes 0.00004 and 0.00005; 1000 Genomes Project 30x 0.00016; 1000 Genomes Project 0.00020.
gnomAD v4.1: 77 of 1,614,174 alleles (0.0048%); highest among the groups gnomAD compares: Admixed American, 0.0067%; no homozygotes.

Submissions (3):

Labcorp Genetics (formerly Invitae), Labcorp
Classification: Likely benign for Brody myopathy. Last evaluated: 2026-01-21. Review status: criteria provided, single submitter. Criteria: Invitae Variant Classification Sherloc (09022015). Collection method: clinical testing. Allele origin: germline.

PreventionGenetics, part of Exact Sciences
Classification: Likely benign for ATP2A1-related condition. Last evaluated: 2024-12-31. Review status: criteria provided, single submitter. Criteria: ACMG Guidelines, 2015. Collection method: clinical testing. Allele origin: germline.
Comment: This variant is classified as likely benign based on ACMG/AMP sequence variant interpretation guidelines (Richards et al. 2015 PMID: 25741868, with internal and published modifications).

Blueprint Genetics
Classification: Likely benign. Last evaluated: 2022-05-30. Review status: criteria provided, single submitter. Criteria: ACMG Guidelines, 2015. Collection method: clinical testing. Allele origin: germline.